The following is an entry in ClinVar:

NM_001128205.2(SULF1):c.529G>A (p.Gly177Ser)

Gene: SULF1 (sulfatase 1; plus strand). Cytogenetic location: 8q13.2.
Variant type: single nucleotide variant.
Coding change: c.529G>A on transcript NM_001128205.2 (MANE Select); coding-DNA position 529, G replaced by A.
Protein change: p.Gly177Ser; replaces glycine 177 with serine.
Molecular consequence: missense variant. On other transcripts: non-coding transcript variant (2).
Genome position (GRCh38, 1-based): chr8:69,586,473, G>A. VCF-style: chr8-69586473-G-A. GRCh37 (hg19) VCF-style: chr8-70498708-G-A.
Other names: c.529G>A, p.Gly177Ser (NM_001128204.2, NM_001128206.2, NM_015170.3); short protein forms G177S.
Identifiers: ClinVar variation 221945 (VCV000221945.4), dbSNP rs538017286, ClinGen allele CA071868.

ClinVar aggregate classification (germline): Conflicting classifications of pathogenicity. Review status: criteria provided, conflicting classifications (1 of 4 stars). 2 submissions from 2 submitters: Uncertain significance (1); Likely benign (1). Last evaluated 2025-05-22.

Conditions:
Anophthalmia-microphthalmia syndrome. Also called: Anophthalmia/Microphthalmia; Anophthalmia - microphthalmia. Identifiers: Orphanet 98555, MedGen C5680330, MONDO:0020147.

Allele frequency attached by ClinVar (database versions not stated): gnomAD 0.00004 and 0.00005; gnomAD exomes 0.00004 and 0.00002; 1000 Genomes Project 30x 0.00016; 1000 Genomes Project 0.00020; ExAC 0.00002; TOPMed 0.00003.

Submissions (2):

Labcorp Genetics (formerly Invitae), Labcorp
Classification: Uncertain significance. Last evaluated: 2025-05-22. Review status: criteria provided, single submitter. Criteria: Invitae Variant Classification Sherloc (09022015). Collection method: clinical testing. Allele origin: germline.
Comment: This sequence change replaces glycine, which is neutral and non-polar, with serine, which is neutral and polar, at codon 177 of the SULF1 protein (p.Gly177Ser). This variant is present in population databases (rs538017286, gnomAD 0.005%). This missense change has been observed in individual(s) with ocular developmental anomalies (PMID: 26893459). ClinVar contains an entry for this variant (Variation ID: 221945). An algorithm developed to predict the effect of missense changes on protein structure and function (PolyPhen-2) suggests that this variant is likely to be disruptive. In summary, the available evidence is currently insufficient to determine the role of this variant in disease. Therefore, it has been classified as a Variant of Uncertain Significance.

Paul Sabatier University EA-4555, Paul Sabatier University
Classification: Likely benign. Last evaluated: 2013-01-01. Review status: criteria provided, single submitter. Criteria: Chassaing et al. (Genome Res. 2016). Collection method: clinical testing. Allele origin: inherited. Affected: yes. Observed: 1 heterozygote.

Literature cited by the submitters: PubMed 26893459 (cited by Labcorp Genetics (formerly Invitae), Labcorp).